The following is an entry in ClinVar:

NM_000632.4(ITGAM):c.844C>T (p.Arg282Cys)

Genes: ITGAM (integrin subunit alpha M; plus strand), LOC126862332 (BRD4-independent group 4 enhancer GRCh37_chr16:31284654-31285853; plus strand). Cytogenetic location: 16p11.2.
Variant type: single nucleotide variant.
Coding change: c.844C>T on transcript NM_000632.4 (MANE Select); coding-DNA position 844, C replaced by T.
Protein change: p.Arg282Cys; replaces arginine 282 with cysteine.
Molecular consequence: missense variant.
Genome position (GRCh38, 1-based): chr16:31,273,504, C>T. VCF-style: chr16-31273504-C-T. GRCh37 (hg19) VCF-style: chr16-31284825-C-T.
Other names: c.844C>T, p.Arg282Cys (NM_001145808.2); short protein forms R282C.
Identifiers: ClinVar variation 4977468 (VCV004977468.1).

ClinVar aggregate classification (germline): Uncertain significance (1 of 4 stars; one submission).

Conditions:
ITGAM-related disorder. Also called: ITGAM-related condition.

Submission:

PreventionGenetics, part of Exact Sciences
Classification: Uncertain significance for ITGAM-related condition. Last evaluated: 2025-03-19. Review status: criteria provided, single submitter. Criteria: ACMG Guidelines, 2015. Collection method: clinical testing. Allele origin: germline.
Comment: The ITGAM c.844C>T variant is predicted to result in the amino acid substitution p.Arg282Cys. To our knowledge, this variant has not been reported in the literature or in a large population database (gnomAD), indicating this variant is rare. At this time, the clinical significance of this variant is uncertain due to the absence of conclusive functional and genetic evidence.